The following is an entry in ClinVar:

ClinVar aggregate classification (germline): Uncertain significance (1 of 4 stars; one submission).

Allele frequency attached by ClinVar (database versions not stated): gnomAD exomes below 0.00001.
gnomAD v4.1: 3 of 1,605,456 alleles (0.00019%); highest among the groups gnomAD compares: African/African-American, 0.0013%; no homozygotes.

Submission:

Labcorp Genetics (formerly Invitae), Labcorp
Classification: Uncertain significance. Last evaluated: 2023-03-27. Review status: criteria provided, single submitter. Criteria: Invitae Variant Classification Sherloc (09022015). Collection method: clinical testing. Allele origin: germline.
Comment: In summary, the available evidence is currently insufficient to determine the role of this variant in disease. Therefore, it has been classified as a Variant of Uncertain Significance. An algorithm developed to predict the effect of missense changes on protein structure and function (PolyPhen-2) suggests that this variant is likely to be tolerated. This variant has not been reported in the literature in individuals affected with RHOBTB2-related conditions. This variant is not present in population databases (gnomAD no frequency). This sequence change replaces histidine, which is basic and polar, with arginine, which is basic and polar, at codon 341 of the RHOBTB2 protein (p.His341Arg).

NM_015178.3(RHOBTB2):c.956A>G (p.His319Arg)

Gene: RHOBTB2 (Rho related BTB domain containing 2; plus strand). Cytogenetic location: 8p21.3.
Variant type: single nucleotide variant.
Coding change: c.956A>G on transcript NM_015178.3 (MANE Select); coding-DNA position 956, A replaced by G.
Protein change: p.His319Arg; replaces histidine 319 with arginine.
Molecular consequence: missense variant.
Genome position (GRCh38, 1-based): chr8:23,007,201, A>G. VCF-style: chr8-23007201-A-G. GRCh37 (hg19) VCF-style: chr8-22864714-A-G.
Other names: c.1022A>G, p.His341Arg (NM_001160036.2); c.977A>G, p.His326Arg (NM_001160037.2); c.956A>G, p.His319Arg (NM_001374791.1); short protein forms H319R, H341R, H326R.
Identifiers: ClinVar variation 2850329 (VCV002850329.3), dbSNP rs2487010564, ClinGen allele CA370566758.
Genomic context (GRCh38, chr8:23,007,201, plus strand): 5'-ACCTGAGTGAGGGGGAGCTGGGGGGCCCCTCGGAGCCAGGGGGCACCCACCCAGAGGACC[A>G]CCAGGGCCACTCTGATCAACACCACCACCATCACCACCACCACCATGGGCGAGACTTCCT-3'
Protein context (NP_055993.2, residues 309-329): SEPGGTHPED[His319Arg]QGHSDQHHHH